The following is an entry in ClinVar:

NM_002519.3(NPAT):c.4223G>C (p.Ser1408Thr)

Gene: NPAT (nuclear protein, coactivator of histone transcription; minus strand). Cytogenetic location: 11q22.3.
Variant type: single nucleotide variant.
Coding change: c.4223G>C on transcript NM_002519.3 (MANE Select); coding-DNA position 4223, G replaced by C.
Protein change: p.Ser1408Thr; replaces serine 1408 with threonine.
Molecular consequence: missense variant.
Genome position (GRCh38, 1-based): chr11:108,159,003, C>G on the plus strand (G>C on the coding strand, the complement: NPAT is on the minus strand). VCF-style: chr11-108159003-C-G. GRCh37 (hg19) VCF-style: chr11-108029730-C-G.
Other names: c.4244G>C, p.Ser1415Thr (NM_001321307.1); short protein forms S1415T, S1408T.
Identifiers: ClinVar variation 1738842 (VCV001738842.2), dbSNP rs778967998, ClinGen allele CA6263441.

ClinVar aggregate classification (germline): Uncertain significance (1 of 4 stars; one submission).

Allele frequency attached by ClinVar (database versions not stated): ExAC 0.00001.

Submission:

Ambry Genetics
Classification: Uncertain significance. Last evaluated: 2022-09-20. Review status: criteria provided, single submitter. Criteria: Ambry Variant Classification Scheme 2023. Collection method: clinical testing. Allele origin: germline.
Comment: The p.S1408T variant (also known as c.4223G>C), located in coding exon 18 of the NPAT gene, results from a G to C substitution at nucleotide position 4223. The serine at codon 1408 is replaced by threonine, an amino acid with similar properties. This amino acid position is conserved. In addition, this alteration is predicted to be tolerated by in silico analysis. Since supporting evidence is limited at this time, the clinical significance of this alteration remains unclear.